The following is an entry in ClinVar:

ClinVar aggregate classification (germline): Likely benign. Review status: criteria provided, multiple submitters, no conflicts (2 of 4 stars). 4 submissions from 4 submitters: Likely benign (4). Last evaluated 2025-12-14.

Conditions:
Neuropathy, hereditary sensory, type 1F. Also called: HSN IF; Hereditary sensory neuropathy type IF. Identifiers: Orphanet 36386, MedGen C3810194, MONDO:0014286, OMIM 615632.
ATL3-related disorder. Also called: ATL3-related condition.
Inborn genetic diseases. Identifiers: MedGen C0950123, MeSH D030342.

Allele frequency attached by ClinVar (database versions not stated): gnomAD exomes 0.00004 and 0.00011; ExAC 0.00015; TOPMed 0.00024; gnomAD 0.00031 and 0.00032; ESP Exome Variant Server 0.00042.
gnomAD v4.1: 154 of 1,614,000 alleles (0.0095%); highest among the groups gnomAD compares: African/African-American, 0.067%; no homozygotes.

Submissions (4):

Women's Health and Genetics/Laboratory Corporation of America, LabCorp
Classification: Likely benign. Last evaluated: 2025-12-14. Review status: criteria provided, single submitter. Criteria: LabCorp Variant Classification Summary - May 2015. Collection method: clinical testing. Allele origin: germline.
Comment: Variant summary: ATL3 c.1609G>A (p.Asp537Asn) results in a conservative amino acid change in the encoded protein sequence. Algorithms developed to predict the effect of missense changes on protein structure and function all suggest that this variant is likely to be tolerated. The variant allele was found at a frequency of 0.00011 in 249554 control chromosomes. The observed variant frequency exceeds the estimated maximal expected allele frequency for disease-causing variants in ATL3. To our knowledge, no occurrence of c.1609G>A in individuals affected with ATL3-related conditions and no experimental evidence demonstrating its impact on protein function have been reported. ClinVar contains an entry for this variant (Variation ID: 541684). Based on the evidence outlined above, the variant was classified as likely benign.

Labcorp Genetics (formerly Invitae), Labcorp
Classification: Likely benign for Neuropathy, hereditary sensory, type 1F. Last evaluated: 2025-10-09. Review status: criteria provided, single submitter. Criteria: Invitae Variant Classification Sherloc (09022015). Collection method: clinical testing. Allele origin: germline.

PreventionGenetics, part of Exact Sciences
Classification: Likely benign for ATL3-related condition. Last evaluated: 2025-03-20. Review status: criteria provided, single submitter. Criteria: ACMG Guidelines, 2015. Collection method: clinical testing. Allele origin: germline.
Comment: This variant is classified as likely benign based on ACMG/AMP sequence variant interpretation guidelines (Richards et al. 2015 PMID: 25741868, with internal and published modifications).

Ambry Genetics
Classification: Likely benign for Inborn genetic diseases. Last evaluated: 2022-11-10. Review status: criteria provided, single submitter. Criteria: Ambry Variant Classification Scheme 2023. Collection method: clinical testing. Allele origin: germline.

NM_015459.5(ATL3):c.1609G>A (p.Asp537Asn)

Genes: ATL3 (atlastin GTPase 3; minus strand), LNCROPM (lncRNA regulator of PLAAT3 mediated phospholipid metabolism; plus strand). Cytogenetic location: 11q13.1.
Variant type: single nucleotide variant.
Coding change: c.1609G>A on transcript NM_015459.5 (MANE Select); coding-DNA position 1609, G replaced by A.
Protein change: p.Asp537Asn; replaces aspartic acid 537 with asparagine.
Molecular consequence: missense variant.
Genome position (GRCh38, 1-based): chr11:63,629,336, C>T on the plus strand (G>A on the coding strand, the complement: ATL3 is on the minus strand). VCF-style: chr11-63629336-C-T. GRCh37 (hg19) VCF-style: chr11-63396808-C-T.
Other names: c.1555G>A, p.Asp519Asn (NM_001290048.2); c.1609G>A (NM_015459.3); short protein forms D537N, D519N.
Identifiers: ClinVar variation 541684 (VCV000541684.14), dbSNP rs201433550, ClinGen allele CA6063461.